The following is an entry in ClinVar:

NM_177924.5(ASAH1):c.1084C>A (p.Pro362Thr)

Gene: ASAH1 (N-acylsphingosine amidohydrolase 1; minus strand). Cytogenetic location: 8p22.
Variant type: single nucleotide variant.
Coding change: c.1084C>A on transcript NM_177924.5 (MANE Select); coding-DNA position 1084, C replaced by A.
Protein change: p.Pro362Thr; replaces proline 362 with threonine.
Molecular consequence: missense variant.
Genome position (GRCh38, 1-based): chr8:18,058,849, G>T on the plus strand (C>A on the coding strand, the complement: ASAH1 is on the minus strand). VCF-style: chr8-18058849-G-T. GRCh37 (hg19) VCF-style: chr8-17916358-G-T.
Other names: c.1066C>A, p.Pro356Thr (NM_001127505.3); c.889C>A, p.Pro297Thr (NM_001363743.2); c.1132C>A, p.Pro378Thr (NM_004315.6); short protein forms P356T, P297T, P378T, P362T.
Identifiers: ClinVar variation 812488 (VCV000812488.3), dbSNP rs1588973247, ClinGen allele CA370426993.

ClinVar aggregate classification (germline): Likely pathogenic. Review status: criteria provided, multiple submitters, no conflicts (2 of 4 stars). 2 submissions from 2 submitters: Likely pathogenic (2). Last evaluated 2024-11-17.

Conditions:
Farber lipogranulomatosis (FRBRL). Also called: AC DEFICIENCY; ACID CERAMIDASE DEFICIENCY; CERAMIDASE DEFICIENCY; N-LAURYLSPHINGOSINE DEACYLASE DEFICIENCY; Farber's lipogranulomatosis; Farber's disease. Identifiers: Orphanet 333, MedGen C0268255, MONDO:0009218, OMIM 228000.
ASAH1-related sphingolipidosis. Identifiers: MedGen CN375562, MONDO:0100524.

Submissions (2):

Dasa
Classification: Likely pathogenic for ASAH1-related sphingolipidosis. Last evaluated: 2024-11-17. Review status: criteria provided, single submitter. Criteria: DASA Assertion Criteria. Collection method: clinical testing. Allele origin: germline.
Comment: NM_177924.5(ASAH1):c.1084C>A (p.Pro362Thr) is a missense variant that results in the substitution of proline with threonine. The affected residue or protein region has prior evidence supporting clinical relevance. This variant has been recurrently observed in individuals with ASAH1-related disorders (PMID: 24355074; PMID: 32449975). Also, this variant is absent from population databases. Computational evidence supports a deleterious effect. Based on the currently available evidence, this variant is classified as likely pathogenic.

Medical Affairs, Dicerna Pharmaceuticals
Classification: Likely pathogenic for Farber lipogranulomatosis. Last evaluated: 2019-06-19. Review status: criteria provided, single submitter. Criteria: ACMG Guidelines, 2015. Collection method: literature only. Allele origin: paternal. Inheritance: Autosomal recessive inheritance. Affected: yes. Observed: 2 variant alleles.
Comment: Variant c.1084C>A is likely pathogenic for the following reasons. Two siblings described in Bashyam et al., 2014, doi: 10.1111/cge.12316 were diagnosed with Farber disease characteristic of Type 1 Farber disease discussed in Gene Reviews. Compound heterozygous variants in the ASAH1 gene, c.677G>C and c.1084C>A, were identified and biparental segregation was noted. Structural analysis was predicted to be pathogenic when analyzing variant, c.1084C>A, using HANSA software. Disruption of backbone rigidity maintained by Proline is predicted resulting in pathogenicity of the variant.

After sequencing the ASAH1 gene, compound heterozygous variants were identified including (c.677G>C) and (c.1084C>A).

Literature cited by the submitters: PubMed 24355074 (cited by Dasa); PubMed 32449975 (cited by Dasa); DOI 10.1111/cge.12316 (cited by Medical Affairs, Dicerna Pharmaceuticals).